The following is an entry in ClinVar:

NM_006947.4(SRP72):c.847A>C (p.Lys283Gln)

Gene: SRP72 (signal recognition particle 72; plus strand). Cytogenetic location: 4q12.
Variant type: single nucleotide variant.
Coding change: c.847A>C on transcript NM_006947.4 (MANE Select); coding-DNA position 847, A replaced by C.
Protein change: p.Lys283Gln; replaces lysine 283 with glutamine.
Molecular consequence: missense variant. On other transcripts: non-coding transcript variant (1).
Genome position (GRCh38, 1-based): chr4:56,483,160, A>C. VCF-style: chr4-56483160-A-C. GRCh37 (hg19) VCF-style: chr4-57349326-A-C.
Other names: c.664A>C, p.Lys222Gln (NM_001267722.2); short protein forms K222Q, K283Q.
Identifiers: ClinVar variation 4174989 (VCV004174989.1).
Genomic context (GRCh38, chr4:56,483,160, plus strand): 5'-TGAGATTCTGTTAATGATAGATAAACTTTTCTTTGTTAGGACCAAAATGTCTTTGACTCC[A>C]AGAAGAAAGTGAAATTAACCAATGCGGAAGGAGTAGAGTTTAAGCTTTCCAAGAAACAAC-3'
Protein context (NP_008878.3, residues 273-293): INKDQNVFDS[Lys283Gln]KKVKLTNAEG

ClinVar aggregate classification (germline): Uncertain significance (1 of 4 stars; one submission).

Submission:

Ambry Genetics
Classification: Uncertain significance. Last evaluated: 2025-09-10. Review status: criteria provided, single submitter. Criteria: Ambry Variant Classification Scheme 2023. Collection method: clinical testing. Allele origin: germline.
Comment: The p.K283Q variant (also known as c.847A>C), located in coding exon 9 of the SRP72 gene, results from an A to C substitution at nucleotide position 847. The lysine at codon 283 is replaced by glutamine, an amino acid with similar properties. This amino acid position is conserved. In addition, the in silico prediction for this alteration is inconclusive. Based on the available evidence, the clinical significance of this variant remains unclear.